The following is an entry in ClinVar:

ClinVar aggregate classification (germline): Benign/Likely benign. Review status: criteria provided, multiple submitters, no conflicts (2 of 4 stars). 14 submissions from 14 submitters: Benign (2); Likely benign (9). 3 of the submissions do not count toward it. Last evaluated 2026-02-03.

Conditions:
Familial thoracic aortic aneurysm and aortic dissection (TAAD). Also called: Thoracic aortic aneurysms and dissections. Identifiers: Orphanet 91387, MedGen C4707243, MONDO:0019625.
Marfan syndrome (MFS). Also called: Marfan syndrome type 1; Marfan's syndrome; Marfan syndrome, classic; MARFAN SYNDROME, TYPE I; FBN1-Related Marfan Syndrome. Identifiers: Orphanet 284963, Orphanet 558, MedGen C0024796, MONDO:0007947, OMIM 154700.

Allele frequency attached by ClinVar (database versions not stated): gnomAD exomes 0.00016 and 0.00028; TOPMed 0.00016; gnomAD 0.00019; ExAC 0.00021; ESP Exome Variant Server 0.00046.
gnomAD v4.1: 434 of 1,613,686 alleles (0.027%); highest among the groups gnomAD compares: Non-Finnish European, 0.036%; no homozygotes.

Submissions (14):

Labcorp Genetics (formerly Invitae), Labcorp
Classification: Likely benign for Marfan syndrome; Familial thoracic aortic aneurysm and aortic dissection. Last evaluated: 2026-02-03. Review status: criteria provided, single submitter. Criteria: Invitae Variant Classification Sherloc (09022015). Collection method: clinical testing. Allele origin: germline.

ARUP Laboratories, Molecular Genetics and Genomics, ARUP Laboratories
Classification: Likely benign. Last evaluated: 2025-04-30. Review status: criteria provided, single submitter. Criteria: ARUP Molecular Germline Variant Investigation Process 2024. Collection method: clinical testing. Allele origin: germline.

CeGaT Center for Human Genetics Tuebingen
Classification: Likely benign. Last evaluated: 2024-12-01. Review status: criteria provided, single submitter. Criteria: CeGaT Center For Human Genetics Tuebingen Variant Classification Criteria Version 2. Collection method: clinical testing. Allele origin: germline. Affected: yes. Observed: 1 variant allele.
Comment: FBN1: BP4, BP7

Blueprint Genetics
Classification: Likely benign. Last evaluated: 2024-11-10. Review status: criteria provided, single submitter. Criteria: ACMG Guidelines, 2015. Collection method: clinical testing. Allele origin: germline.

All of Us Research Program, National Institutes of Health
Classification: Likely benign for Marfan syndrome. Last evaluated: 2024-01-11. Review status: criteria provided, single submitter. Criteria: ACMG Guidelines, 2015. Collection method: clinical testing. Allele origin: germline. Inheritance: Autosomal dominant inheritance. Observed: 50 variant alleles, 50 heterozygotes.
Comment: This study involves interpretation of variants in research participants for the purpose of population health screening. Participant phenotype was not available at the time of variant classification. Additional details can be found in publication PMID: 35346344, PMCID: PMC8962531

Ambry Genetics
Classification: Likely benign for Familial thoracic aortic aneurysm and aortic dissection. Last evaluated: 2020-09-08. Review status: criteria provided, single submitter. Criteria: Ambry Variant Classification Scheme 2023. Collection method: clinical testing. Allele origin: germline.

CHEO Genetics Diagnostic Laboratory, Children's Hospital of Eastern Ontario
Classification: Likely benign for Familial thoracic aortic aneurysm and aortic dissection. Last evaluated: 2020-04-27. Review status: criteria provided, single submitter. Criteria: ACMG Guidelines, 2015. Collection method: clinical testing. Allele origin: germline.

Color Diagnostics, LLC DBA Color Health
Classification: Likely benign for Familial thoracic aortic aneurysm and aortic dissection. Last evaluated: 2018-09-04. Review status: criteria provided, single submitter. Criteria: ACMG Guidelines, 2015. Collection method: clinical testing. Allele origin: germline.

Center for Human Genetics, Inc
Classification: Likely benign for Marfan syndrome. Last evaluated: 2018-06-01. Review status: criteria provided, single submitter. Criteria: ACMG Guidelines, 2015. Collection method: clinical testing. Allele origin: germline. Affected: yes.

GeneDx
Classification: Benign. Last evaluated: 2014-09-18. Review status: criteria provided, single submitter. Criteria: GeneDx Variant Classification (06012015). Collection method: clinical testing. Allele origin: germline. Affected: yes.
Comment: This variant is considered likely benign or benign based on one or more of the following criteria: it is a conservative change, it occurs at a poorly conserved position in the protein, it is predicted to be benign by multiple in silico algorithms, and/or has population frequency not consistent with disease.

PreventionGenetics, part of Exact Sciences
Classification: Benign. Review status: criteria provided, single submitter. Criteria: ACMG Guidelines, 2015. Collection method: clinical testing. Allele origin: germline.

Clinical Genetics DNA and cytogenetics Diagnostics Lab, Erasmus MC, Erasmus Medical Center
Classification: Likely benign. Review status: no assertion criteria provided. Collection method: clinical testing. Allele origin: germline. Affected: yes. Study: VKGL Data-share Consensus. Not counted in ClinVar's aggregate classification.

Genome Diagnostics Laboratory, Amsterdam University Medical Center
Classification: Benign. Review status: no assertion criteria provided. Collection method: clinical testing. Allele origin: germline. Affected: yes. Study: VKGL Data-share Consensus. Not counted in ClinVar's aggregate classification.

Genome Diagnostics Laboratory, University Medical Center Utrecht
Classification: Likely benign. Review status: no assertion criteria provided. Collection method: clinical testing. Allele origin: germline. Affected: yes. Study: VKGL Data-share Consensus. Not counted in ClinVar's aggregate classification.

NM_000138.5(FBN1):c.6705A>C (p.Gly2235=)

Gene: FBN1 (fibrillin 1; minus strand). Cytogenetic location: 15q21.1.
Variant type: single nucleotide variant.
Coding change: c.6705A>C on transcript NM_000138.5 (MANE Select); coding-DNA position 6705, A replaced by C.
Protein change: p.Gly2235=; no amino-acid change (glycine 2235 retained).
Molecular consequence: synonymous variant.
Genome position (GRCh38, 1-based): chr15:48,432,900, T>G on the plus strand (A>C on the coding strand, the complement: FBN1 is on the minus strand). VCF-style: chr15-48432900-T-G. GRCh37 (hg19) VCF-style: chr15-48725097-T-G.
Other names: p.G2235G:GGA>GGC.
Identifiers: ClinVar variation 199951 (VCV000199951.45), dbSNP rs2229326, ClinGen allele CA016685.